The following is an entry in ClinVar:

ClinVar aggregate classification (germline): Pathogenic/Likely pathogenic. Review status: criteria provided, multiple submitters, no conflicts (2 of 4 stars). 3 submissions from 3 submitters: Pathogenic (1); Likely pathogenic (2). Last evaluated 2024-10-24.

Conditions:
Zellweger spectrum disorders (ZS). Also called: Zellweger Spectrum Disorder; Zellweger Spectrum; Zellweger syndrome; Zellweger Spectrum Disorder (ZSD). Identifiers: Orphanet 912, MedGen C0043459, MONDO:0019609.
Peroxisome biogenesis disorder 6A (Zellweger). Also called: Peroxisome biogenesis disorder 6A. Identifiers: Orphanet 912, MedGen C3553947, MONDO:0013936, OMIM 614870.
Peroxisome biogenesis disorder 6B (PBD6B). Identifiers: Orphanet 44, MedGen C3553948, MONDO:0013937, OMIM 614871.
Peroxisome biogenesis disorder, complementation group 7 (CG7). Also called: Peroxisome biogenesis disorder, complementation group B. Identifiers: MedGen C1864399.

Allele frequency attached by ClinVar (database versions not stated): gnomAD exomes below 0.00001; TOPMed below 0.00001; ExAC 0.00001; gnomAD 0.00001.

Submissions (3):

Natera, Inc.
Classification: Likely pathogenic for Zellweger syndrome. Last evaluated: 2024-10-24. Review status: criteria provided, single submitter. Criteria: Natera Variant Classification Schema (03/2026). Collection method: clinical testing. Allele origin: germline.
Comment: The c.417_418delAG variant in PEX10 is a frameshift variant predicted to shift the reading frame beginning at codon 142 and leads to a stop codon 12 codons downstream. This variant is expected to result in nonsense mediated decay, truncation, or a dysfunctional protein product. This variant is rare in the general population with a frequency below the threshold expected for the associated phenotype(s). Given the available evidence, this variant is classified as Likely Pathogenic.

Labcorp Genetics (formerly Invitae), Labcorp
Classification: Pathogenic for Peroxisome biogenesis disorder, complementation group 7. Last evaluated: 2022-04-16. Review status: criteria provided, single submitter. Criteria: Invitae Variant Classification Sherloc (09022015). Collection method: clinical testing. Allele origin: germline.
Comment: This sequence change creates a premature translational stop signal (p.Arg142Alafs*12) in the PEX10 gene. It is expected to result in an absent or disrupted protein product. Loss-of-function variants in PEX10 are known to be pathogenic (PMID: 9683594, 10862081, 21031596). This variant is present in population databases (rs776590711, gnomAD 0.0009%). This variant has not been reported in the literature in individuals affected with PEX10-related conditions. For these reasons, this variant has been classified as Pathogenic.

Juno Genomics, Hangzhou Juno Genomics, Inc
Classification: Likely pathogenic for Peroxisome biogenesis disorder 6A (Zellweger); Peroxisome biogenesis disorder 6B. Review status: criteria provided, single submitter. Criteria: ACMG Guidelines, 2015. Collection method: clinical testing. Allele origin: germline.
Comment: Null variant in a gene where loss of function (LOF) is a known mechanism of disease.;Absent from controls (or at extremely low frequency if recessive) in Genome Aggregation Database.

Literature cited by the submitters: PubMed 9683594 (cited by Labcorp Genetics (formerly Invitae), Labcorp); PubMed 10862081 (cited by Labcorp Genetics (formerly Invitae), Labcorp); PubMed 21031596 (cited by Labcorp Genetics (formerly Invitae), Labcorp).

NM_002617.4(PEX10):c.417_418del (p.Arg142fs)

Gene: PEX10 (peroxisomal biogenesis factor 10; minus strand). Cytogenetic location: 1p36.32.
Variant type: Deletion.
Coding change: c.417_418del on transcript NM_002617.4 (MANE Select); coding-DNA positions 417 to 418, 2 bases deleted (AG; older notation c.417_418delAG).
Protein change: p.Arg142fs; shifts the reading frame from arginine 142.
Molecular consequence: frameshift variant. On other transcripts: 5 prime UTR variant (2), non-coding transcript variant (1).
Genome position (GRCh38, 1-based): chr1:2,408,634-2,408,635, CT deleted on the plus strand (AG on the coding strand, the reverse complement: PEX10 is on the minus strand). VCF-style (leftmost placement, unchanged base first): chr1-2408633-CCT-C. GRCh37 (hg19) VCF-style: chr1-2340072-CCT-C.
Other names: c.417_418del, p.Arg142fs (NM_001374425.1, NM_153818.2); c.-16_-15del (NM_001374426.1, NM_001374427.1); c.417_418delAG (NM_153818.1); short protein forms R142fs.
Identifiers: ClinVar variation 2126901 (VCV002126901.7), dbSNP rs776590711, ClinGen allele CA538183.